The following is an entry in ClinVar:

ClinVar aggregate classification (germline): Likely pathogenic (1 of 4 stars; one submission).

Conditions:
Marfan syndrome (MFS). Also called: Marfan syndrome type 1; Marfan's syndrome; FBN1-Related Marfan Syndrome; MARFAN SYNDROME, TYPE I; Marfan syndrome, classic. Identifiers: Orphanet 284963, Orphanet 558, MedGen C0024796, MONDO:0007947, OMIM 154700.
Familial thoracic aortic aneurysm and aortic dissection (TAAD). Also called: Thoracic aortic aneurysms and dissections. Identifiers: Orphanet 91387, MedGen C4707243, MONDO:0019625.

Submission:

Labcorp Genetics (formerly Invitae), Labcorp
Classification: Likely pathogenic for Marfan syndrome; Familial thoracic aortic aneurysm and aortic dissection. Last evaluated: 2024-07-06. Review status: criteria provided, single submitter. Criteria: Invitae Variant Classification Sherloc (09022015). Collection method: clinical testing. Allele origin: germline.
Comment: This sequence change replaces aspartic acid, which is acidic and polar, with glycine, which is neutral and non-polar, at codon 2569 of the FBN1 protein (p.Asp2569Gly). This variant is not present in population databases (gnomAD no frequency). This missense change has been observed in individuals with clinical features of Marfan syndrome (Invitae; external communication). ClinVar contains an entry for this variant (Variation ID: 1392848). Advanced modeling of protein sequence and biophysical properties (such as structural, functional, and spatial information, amino acid conservation, physicochemical variation, residue mobility, and thermodynamic stability) performed at Invitae indicates that this missense variant is expected to disrupt FBN1 protein function with a positive predictive value of 95%. In summary, the currently available evidence indicates that the variant is pathogenic, but additional data are needed to prove that conclusively. Therefore, this variant has been classified as Likely Pathogenic.

NM_000138.5(FBN1):c.7706A>G (p.Asp2569Gly)

Gene: FBN1 (fibrillin 1; minus strand). Cytogenetic location: 15q21.1.
Variant type: single nucleotide variant.
Coding change: c.7706A>G on transcript NM_000138.5 (MANE Select); coding-DNA position 7706, A replaced by G.
Protein change: p.Asp2569Gly; replaces aspartic acid 2569 with glycine.
Molecular consequence: missense variant.
Genome position (GRCh38, 1-based): chr15:48,420,800, T>C on the plus strand (A>G on the coding strand, the complement: FBN1 is on the minus strand). VCF-style: chr15-48420800-T-C. GRCh37 (hg19) VCF-style: chr15-48712997-T-C.
Other names: short protein forms D2569G.
Identifiers: ClinVar variation 1392848 (VCV001392848.8), dbSNP rs2141220859, ClinGen allele CA392324842.